The following is an entry in ClinVar:

NM_181426.2(CCDC39):c.2155T>C (p.Ser719Pro)

Gene: CCDC39 (coiled-coil domain 39 molecular ruler complex subunit; minus strand). Cytogenetic location: 3q26.33.
Variant type: single nucleotide variant.
Coding change: c.2155T>C on transcript NM_181426.2 (MANE Select); coding-DNA position 2155, T replaced by C.
Protein change: p.Ser719Pro; replaces serine 719 with proline.
Molecular consequence: missense variant.
Genome position (GRCh38, 1-based): chr3:180,619,814, A>G on the plus strand (T>C on the coding strand, the complement: CCDC39 is on the minus strand). VCF-style: chr3-180619814-A-G. GRCh37 (hg19) VCF-style: chr3-180337602-A-G.
Other names: c.2155T>C (NM_181426.1); short protein forms S719P.
Identifiers: ClinVar variation 1430855 (VCV001430855.4), dbSNP rs561979601, ClinGen allele CA2715759.
Genomic context (GRCh38, chr3:180,619,814, plus strand): 5'-TTTAACTATACACTCGTCACTGTATATATGTATAAAAAAAAGTTAACTCCTACATACTAG[A>G]TGGAGTCACTTTTTTAAAAGATTGCTTATAATTGTTGTTACAGCTGTTCAGCACTTGAAG-3'
Protein context (NP_852091.1, residues 709-729): YKQSFKKVTP[Ser719Pro]SDEYELKIQL

ClinVar aggregate classification (germline): Uncertain significance. Review status: criteria provided, multiple submitters, no conflicts (2 of 4 stars). 2 submissions from 2 submitters: Uncertain significance (2). Last evaluated 2025-03-25.

Conditions:
Primary ciliary dyskinesia. Also called: Ciliary dyskinesia. Identifiers: Orphanet 244, MedGen C0008780, MONDO:0016575, HP:0012265.

Allele frequency attached by ClinVar (database versions not stated): gnomAD exomes 0.00001 and 0.00003; ExAC 0.00009; gnomAD 0.00013 and 0.00014; TOPMed 0.00021; 1000 Genomes Project 30x 0.00047; 1000 Genomes Project 0.00060.
gnomAD v4.1: 43 of 1,583,488 alleles (0.0027%); highest among the groups gnomAD compares: African/African-American, 0.033%; no homozygotes.

Submissions (2):

Ambry Genetics
Classification: Uncertain significance for Primary ciliary dyskinesia. Last evaluated: 2025-03-25. Review status: criteria provided, single submitter. Criteria: Ambry Variant Classification Scheme 2023. Collection method: clinical testing. Allele origin: germline.

Labcorp Genetics (formerly Invitae), Labcorp
Classification: Uncertain significance for Primary ciliary dyskinesia. Last evaluated: 2021-12-08. Review status: criteria provided, single submitter. Criteria: Invitae Variant Classification Sherloc (09022015). Collection method: clinical testing. Allele origin: germline.
Comment: This sequence change replaces serine, which is neutral and polar, with proline, which is neutral and non-polar, at codon 719 of the CCDC39 protein (p.Ser719Pro). This variant is present in population databases (rs561979601, gnomAD 0.05%). This variant has not been reported in the literature in individuals affected with CCDC39-related conditions. Algorithms developed to predict the effect of missense changes on protein structure and function (SIFT, PolyPhen-2, Align-GVGD) all suggest that this variant is likely to be tolerated. In summary, the available evidence is currently insufficient to determine the role of this variant in disease. Therefore, it has been classified as a Variant of Uncertain Significance.